The following is an entry in ClinVar:

ClinVar aggregate classification (germline): Uncertain significance (1 of 4 stars; one submission).

Conditions:
Aicardi-Goutieres syndrome 6 (AGS6). Identifiers: Orphanet 51, MedGen C3539013, MONDO:0014007, OMIM 615010.
Symmetrical dyschromatosis of extremities (DSH). Also called: DYSCHROMATOSIS SYMMETRICA HEREDITARIA 1; Dyschromatosis symmetrica hereditaria; RETICULATE ACROPIGMENTATION OF DOHI; SYMMETRIC DYSCHROMATOSIS OF THE EXTREMITIES. Identifiers: Orphanet 41, MedGen C0406775, MONDO:0007483, OMIM 127400.

Allele frequency attached by ClinVar (database versions not stated): gnomAD exomes below 0.00001.
gnomAD v4.1: 1 of 1,614,180 alleles (0.000062%); highest among the groups gnomAD compares: Non-Finnish European, 0.000085%; no homozygotes.

Submission:

Labcorp Genetics (formerly Invitae), Labcorp
Classification: Uncertain significance for Aicardi-Goutieres syndrome 6; Symmetrical dyschromatosis of extremities. Last evaluated: 2022-08-06. Review status: criteria provided, single submitter. Criteria: Invitae Variant Classification Sherloc (09022015). Collection method: clinical testing. Allele origin: germline.
Comment: This variant is not present in population databases (gnomAD no frequency). This sequence change replaces valine, which is neutral and non-polar, with alanine, which is neutral and non-polar, at codon 556 of the ADAR protein (p.Val556Ala). This variant has not been reported in the literature in individuals affected with ADAR-related conditions. Algorithms developed to predict the effect of missense changes on protein structure and function are either unavailable or do not agree on the potential impact of this missense change (SIFT: "Tolerated"; PolyPhen-2: "Possibly Damaging"; Align-GVGD: "Class C0"). In summary, the available evidence is currently insufficient to determine the role of this variant in disease. Therefore, it has been classified as a Variant of Uncertain Significance.

NM_001111.5(ADAR):c.1667T>C (p.Val556Ala)

Gene: ADAR (adenosine deaminase RNA specific; minus strand). Cytogenetic location: 1q21.3.
Variant type: single nucleotide variant.
Coding change: c.1667T>C on transcript NM_001111.5 (MANE Select); coding-DNA position 1667, T replaced by C.
Protein change: p.Val556Ala; replaces valine 556 with alanine.
Molecular consequence: missense variant.
Genome position (GRCh38, 1-based): chr1:154,598,520, A>G on the plus strand (T>C on the coding strand, the complement: ADAR is on the minus strand). VCF-style: chr1-154598520-A-G. GRCh37 (hg19) VCF-style: chr1-154570996-A-G.
Other names: c.782T>C, p.Val261Ala (NM_001025107.3, NM_001193495.2, NM_001365046.1 and 3 more transcripts); c.1694T>C, p.Val565Ala (NM_001365045.1); c.1667T>C, p.Val556Ala (NM_015840.4, NM_015841.4); short protein forms V261A, V556A, V565A.
Identifiers: ClinVar variation 1713848 (VCV001713848.5), dbSNP rs2526613689, ClinGen allele CA342639604.